The following is an entry in ClinVar:

ClinVar aggregate classification (germline): Likely benign. Review status: criteria provided, multiple submitters, no conflicts (2 of 4 stars). 3 submissions from 3 submitters: Likely benign (2). 1 of the submissions does not count toward it. Last evaluated 2025-09-02.

Conditions:
PDZD7-related disorder. Also called: PDZD7-related condition; PDZD7-related disorders.

Allele frequency attached by ClinVar (database versions not stated): gnomAD exomes 0.00001; gnomAD 0.00010 and 0.00011; TOPMed 0.00011.
gnomAD v4.1: 39 of 1,497,784 alleles (0.0026%); highest among the groups gnomAD compares: African/African-American, 0.039%; no homozygotes.

Submissions (3):

Labcorp Genetics (formerly Invitae), Labcorp
Classification: Likely benign. Last evaluated: 2025-09-02. Review status: criteria provided, single submitter. Criteria: Invitae Variant Classification Sherloc (09022015). Collection method: clinical testing. Allele origin: germline.

Blueprint Genetics
Classification: Likely benign. Last evaluated: 2024-03-01. Review status: criteria provided, single submitter. Criteria: ACMG Guidelines, 2015. Collection method: clinical testing. Allele origin: germline.

PreventionGenetics, part of Exact Sciences
Classification: Likely benign for PDZD7-related condition. Last evaluated: 2019-07-17. Review status: no assertion criteria provided. Collection method: clinical testing. Allele origin: germline. Not counted in ClinVar's aggregate classification.
Comment: This variant is classified as likely benign based on ACMG/AMP sequence variant interpretation guidelines (Richards et al. 2015 PMID: 25741868, with internal and published modifications).

NM_001195263.2(PDZD7):c.2727C>T (p.Phe909=)

Gene: PDZD7 (PDZ domain containing 7; minus strand). Cytogenetic location: 10q24.31.
Variant type: single nucleotide variant.
Coding change: c.2727C>T on transcript NM_001195263.2 (MANE Select); coding-DNA position 2727, C replaced by T.
Protein change: p.Phe909=; no amino-acid change (phenylalanine 909 retained).
Molecular consequence: synonymous variant.
Genome position (GRCh38, 1-based): chr10:101,008,842, G>A on the plus strand (C>T on the coding strand, the complement: PDZD7 is on the minus strand). VCF-style: chr10-101008842-G-A. GRCh37 (hg19) VCF-style: chr10-102768599-G-A.
Other names: c.2727C>T (NM_001195263.1).
Identifiers: ClinVar variation 1155654 (VCV001155654.12), dbSNP rs769518056, ClinGen allele CA5653947.
Genomic context (GRCh38, chr10:101,008,842, plus strand): 5'-GTCTACTGCACGCTGGTGGGTCACCTGCTCTAGATTCTCTCCGTCCACTGCCACAAGCTC[G>A]AAGCCAGCCTAGGGTGGGGTGAGAGAGTCACATCCCTCCCTCCTCATGTCACCCTGCATC-3'
Protein context (NP_001182192.1, residues 899-919): AFLSGALQAG[Phe909=]ELVAVDGENL